The following is an entry in ClinVar:

ClinVar aggregate classification (germline): Uncertain significance. Review status: criteria provided, multiple submitters, no conflicts (2 of 4 stars). 2 submissions from 2 submitters: Uncertain significance (2). Last evaluated 2025-08-03.

Conditions:
Congenital myasthenic syndrome 8. Also called: MYASTHENIC SYNDROME, CONGENITAL, DUE TO AGRIN DEFICIENCY; Myasthenic syndrome, congenital, 8, with pre- and postsynaptic defects. Identifiers: Orphanet 590, MedGen C3808739, MONDO:0014052, OMIM 615120.
Inborn genetic diseases. Identifiers: MedGen C0950123, MeSH D030342.

Allele frequency attached by ClinVar (database versions not stated): gnomAD exomes 0.00002 and 0.00004; TOPMed 0.00003; gnomAD 0.00004 and 0.00005.
gnomAD v4.1: 62 of 1,595,306 alleles (0.0039%); highest among the groups gnomAD compares: Non-Finnish European, 0.0047%; no homozygotes.

Submissions (2):

Ambry Genetics
Classification: Uncertain significance for Inborn genetic diseases. Last evaluated: 2025-08-03. Review status: criteria provided, single submitter. Criteria: Ambry Variant Classification Scheme 2023. Collection method: clinical testing. Allele origin: germline.

Labcorp Genetics (formerly Invitae), Labcorp
Classification: Uncertain significance for Congenital myasthenic syndrome 8. Last evaluated: 2022-08-09. Review status: criteria provided, single submitter. Criteria: Invitae Variant Classification Sherloc (09022015). Collection method: clinical testing. Allele origin: germline.
Comment: In summary, the available evidence is currently insufficient to determine the role of this variant in disease. Therefore, it has been classified as a Variant of Uncertain Significance. Algorithms developed to predict the effect of missense changes on protein structure and function are either unavailable or do not agree on the potential impact of this missense change (SIFT: "Deleterious"; PolyPhen-2: "Probably Damaging"; Align-GVGD: "Class C0"). ClinVar contains an entry for this variant (Variation ID: 1426916). This variant has not been reported in the literature in individuals affected with AGRN-related conditions. This variant is present in population databases (no rsID available, gnomAD 0.001%). This sequence change replaces glycine, which is neutral and non-polar, with arginine, which is basic and polar, at codon 1741 of the AGRN protein (p.Gly1741Arg).

NM_198576.4(AGRN):c.5221G>C (p.Gly1741Arg)

Gene: AGRN (agrin; plus strand). Cytogenetic location: 1p36.33.
Variant type: single nucleotide variant.
Coding change: c.5221G>C on transcript NM_198576.4 (MANE Select); coding-DNA position 5221, G replaced by C.
Protein change: p.Gly1741Arg; replaces glycine 1741 with arginine.
Molecular consequence: missense variant.
Genome position (GRCh38, 1-based): chr1:1,050,805, G>C. VCF-style: chr1-1050805-G-C. GRCh37 (hg19) VCF-style: chr1-986185-G-C.
Other names: c.5221G>C (NM_198576.3); c.5221G>C, p.Gly1741Arg (NM_001305275.2); c.4906G>C, p.Gly1636Arg (NM_001364727.2); short protein forms G1636R, G1741R.
Identifiers: ClinVar variation 1426916 (VCV001426916.6), dbSNP rs1051289078, ClinGen allele CA16701881.